The following is an entry in ClinVar:

NM_007294.4(BRCA1):c.2952del (p.Ile986fs)

Gene: BRCA1 (BRCA1 DNA repair associated; minus strand). Cytogenetic location: 17q21.31.
Variant type: Deletion.
Coding change: c.2952del on transcript NM_007294.4 (MANE Select); coding-DNA position 2952, one base deleted (T; older notation c.2952delT).
Protein change: p.Ile986fs; shifts the reading frame from isoleucine 986.
Molecular consequence: frameshift variant. On other transcripts: intron variant (137).
Genome position (GRCh38, 1-based): chr17:43,092,579, A deleted on the plus strand (T on the coding strand, the reverse complement: BRCA1 is on the minus strand); the first of 5 consecutive A bases (chr17:43,092,579-43,092,583); deleting any one gives the same sequence. VCF-style (leftmost placement, unchanged base first): chr17-43092578-GA-G. GRCh37 (hg19) VCF-style: chr17-41244595-GA-G.
Other names: 3071delT; c.2952delT (NM_007294.3); c.2739del, p.Ile915fs (NM_001407571.1, NM_001407853.1, NM_001407894.1 and 9 more transcripts); c.2952del, p.Ile986fs (NM_001407581.1, NM_001407582.1, NM_001407583.1 and 30 more transcripts); c.2949del, p.Ile985fs (NM_001407587.1, NM_001407590.1, NM_001407591.1 and 22 more transcripts); c.2943del, p.Ile983fs (NM_001407646.1, NM_001407647.1); c.2829del, p.Ile945fs (NM_001407648.1, NM_001407664.1, NM_001407665.1 and 19 more transcripts); c.2826del, p.Ile944fs (NM_001407649.1, NM_001407670.1, NM_001407671.1 and 11 more transcripts); and 43 more; short protein forms I939fs, I986fs, I858fs, I859fs, I916fs, I944fs, I945fs, I960fs.
Identifiers: ClinVar variation 54729 (VCV000054729.27), dbSNP rs80357627, ClinGen allele CA001924.

ClinVar aggregate classification (germline): Pathogenic. Review status: reviewed by expert panel (3 of 4 stars). 10 submissions from 10 submitters: Pathogenic (1). 9 of the submissions do not count toward it. Last evaluated 2016-09-08.

Conditions:
Fanconi anemia, complementation group S (FANCS). Identifiers: MedGen C4554406, MONDO:0054748, OMIM 617883.
Breast-ovarian cancer, familial, susceptibility to, 1 (BROVCA1). Also called: OVARIAN CANCER, SUSCEPTIBILITY TO; BRCA1 Hereditary Breast and Ovarian Cancer. Identifiers: Orphanet 145, MedGen C2676676, MONDO:0011450, OMIM 604370. Disease mechanism: loss of function.
Pancreatic cancer, susceptibility to, 4. Identifiers: Orphanet 1333, MedGen C3280442, MONDO:0013685, OMIM 614320.
Hereditary cancer-predisposing syndrome. Also called: Neoplastic Syndromes, Hereditary; Tumor predisposition; Hereditary Cancer Syndrome; Hereditary neoplastic syndrome. Identifiers: Orphanet 140162, MedGen C0027672, MeSH D009386, MONDO:0015356.
Hereditary breast ovarian cancer syndrome. Also called: Hereditary breast and/or ovarian cancer syndrome; Hereditary breast and ovarian cancer syndrome; Hereditary breast and ovarian cancer; Hereditary breast and ovarian cancer syndrome (HBOC); Breast and ovarian cancer; BRCA1- and BRCA2-Associated Hereditary Breast and Ovarian Cancer. Identifiers: Orphanet 145, MedGen C0677776, MeSH D061325, MONDO:0003582. Disease mechanism: loss of function.
Breast carcinoma. Also called: Carcinoma of breast. Identifiers: MedGen C0678222, MONDO:0004989, HP:0003002.

Submissions (10):

Evidence-based Network for the Interpretation of Germline Mutant Alleles (ENIGMA)
Classification: Pathogenic for Breast-ovarian cancer, familial, susceptibility to, 1. Last evaluated: 2016-09-08. Review status: reviewed by expert panel. Criteria: ENIGMA BRCA1/2 Classification Criteria (2015). Collection method: curation. Allele origin: germline.
Comment: Variant allele predicted to encode a truncated non-functional protein.

Labcorp Genetics (formerly Invitae), Labcorp
Classification: Pathogenic for Hereditary breast ovarian cancer syndrome. Last evaluated: 2025-05-12. Review status: criteria provided, single submitter. Criteria: Invitae Variant Classification Sherloc (09022015). Collection method: clinical testing. Allele origin: germline. Not counted in ClinVar's aggregate classification.
Comment: This sequence change creates a premature translational stop signal (p.Ile986Serfs*14) in the BRCA1 gene. It is expected to result in an absent or disrupted protein product. Loss-of-function variants in BRCA1 are known to be pathogenic (PMID: 20104584). This variant is not present in population databases (gnomAD no frequency). This premature translational stop signal has been observed in individual(s) with hereditary breast and ovarian cancer (PMID: 29805665, 30078507). ClinVar contains an entry for this variant (Variation ID: 54729). For these reasons, this variant has been classified as Pathogenic.

Quest Diagnostics Nichols Institute San Juan Capistrano
Classification: Pathogenic. Last evaluated: 2022-12-03. Review status: criteria provided, single submitter. Criteria: Quest Diagnostics criteria. Collection method: clinical testing. Allele origin: unknown. Not counted in ClinVar's aggregate classification.
Comment: This frameshift variant alters the translational reading frame of the BRCA1 mRNA and causes the premature termination of BRCA1 protein synthesis. It has not been reported in large, multi-ethnic general populations. In the published literature, the variant has been reported in individuals with a personal and/or family history of breast and/or ovarian cancer (PMIDs: 21120943 (2011), 30078507 (2018), 31851867 (2020), 32862574 (2020), and 33484353 (2021)). Based on the available information, this variant is classified as pathogenic.

Institute for Clinical Genetics, University Hospital TU Dresden, University Hospital TU Dresden
Classification: Pathogenic. Last evaluated: 2021-11-03. Review status: criteria provided, single submitter. Criteria: ACMG Guidelines, 2015. Collection method: clinical testing. Allele origin: germline. Not counted in ClinVar's aggregate classification.

Color Diagnostics, LLC DBA Color Health
Classification: Pathogenic for Hereditary cancer-predisposing syndrome. Last evaluated: 2021-07-06. Review status: criteria provided, single submitter. Criteria: ACMG Guidelines, 2015. Collection method: clinical testing. Allele origin: germline. Not counted in ClinVar's aggregate classification.
Comment: This variant deletes 1 nucleotide in exon 10 of the BRCA1 gene, creating a frameshift and premature translation stop signal. This variant is expected to result in an absent or non-functional protein product. To our knowledge, functional studies have not been reported for this variant. This variant has been reported in individuals affected with breast and/or ovarian cancer (PMID: 21120943, 26848529, 32862574). This variant has not been identified in the general population by the Genome Aggregation Database (gnomAD). Loss of BRCA1 function is a known mechanism of disease. Based on the available evidence, this variant is classified as Pathogenic.

Ambry Genetics
Classification: Pathogenic for Hereditary cancer-predisposing syndrome. Last evaluated: 2018-12-26. Review status: criteria provided, single submitter. Criteria: Ambry Variant Classification Scheme 2023. Collection method: clinical testing. Allele origin: germline. Not counted in ClinVar's aggregate classification.
Comment: The c.2952delT pathogenic mutation, located in coding exon 9 of the BRCA1 gene, results from a deletion of one nucleotide at nucleotide position 2952, causing a translational frameshift with a predicted alternate stop codon (p.I986Sfs*14). In one study, this variant was observed in 1/1525 unrelated patients who had BRCA1/2 genetic testing due to a personal and/or family history suspicious for Hereditary Breast and/or Ovarian Cancer (Caux-Moncoutier V et al. Hum. Mutat. 2011 Mar;32:325-34). In addition to the clinical data presented in the literature, this alteration is expected to result in loss of function by premature protein truncation or nonsense-mediated mRNA decay. As such, this alteration is interpreted as a disease-causing mutation.

Consortium of Investigators of Modifiers of BRCA1/2 (CIMBA), c/o University of Cambridge
Classification: Pathogenic for Breast-ovarian cancer, familial, susceptibility to, 1. Last evaluated: 2015-10-02. Review status: criteria provided, single submitter. Criteria: CIMBA Mutation Classification guidelines May 2016. Collection method: clinical testing. Allele origin: germline. Not counted in ClinVar's aggregate classification.

Juno Genomics, Hangzhou Juno Genomics, Inc
Classification: Pathogenic for Breast-ovarian cancer, familial, susceptibility to, 1; Pancreatic cancer, susceptibility to, 4; Fanconi anemia, complementation group S. Review status: criteria provided, single submitter. Criteria: ACMG Guidelines, 2015. Collection method: clinical testing. Allele origin: germline. Not counted in ClinVar's aggregate classification.
Comment: Absent from controls (or at extremely low frequency if recessive) in Genome Aggregation Database.;Null variant in a gene where loss of function (LOF) is a known mechanism of disease.;The prevalence of the variant in affected individuals is significantly increased compared to the prevalence in controls.

Medical Genetics Laboratory, Umraniye Training and Research Hospital, University of Health Sciences
Classification: Pathogenic for Breast carcinoma. Last evaluated: 2021-08-09. Review status: no assertion criteria provided. Collection method: clinical testing. Allele origin: germline. Affected: yes. Observed: 1 variant allele, 1 heterozygote. Not counted in ClinVar's aggregate classification.

Breast Cancer Information Core (BIC) (BRCA1)
Classification: Pathogenic for Breast-ovarian cancer, familial 1. Last evaluated: 2001-10-29. Review status: no assertion criteria provided. Collection method: clinical testing. Allele origin: germline. Affected: yes. Observed: 1 variant allele. Not counted in ClinVar's aggregate classification.

Literature cited by the submitters: PubMed 20104584 (cited by Labcorp Genetics (formerly Invitae), Labcorp); PubMed 29805665 (cited by Labcorp Genetics (formerly Invitae), Labcorp); PubMed 30078507 (cited by Labcorp Genetics (formerly Invitae), Labcorp and Quest Diagnostics Nichols Institute San Juan Capistrano); PubMed 32862574 (cited by Quest Diagnostics Nichols Institute San Juan Capistrano); PubMed 26848529 (cited by Quest Diagnostics Nichols Institute San Juan Capistrano and Ambry Genetics); PubMed 21120943 (cited by Quest Diagnostics Nichols Institute San Juan Capistrano and Ambry Genetics); PubMed 33484353 (cited by Quest Diagnostics Nichols Institute San Juan Capistrano); PubMed 31851867 (cited by Quest Diagnostics Nichols Institute San Juan Capistrano); PubMed 34413315 (cited by Quest Diagnostics Nichols Institute San Juan Capistrano); PubMed 31825140 (cited by Quest Diagnostics Nichols Institute San Juan Capistrano); PubMed 30702160 (cited by Quest Diagnostics Nichols Institute San Juan Capistrano); PubMed 29446198 (cited by Quest Diagnostics Nichols Institute San Juan Capistrano).